The following is an entry in ClinVar:

ClinVar aggregate classification (germline): Benign (3 of 4 stars; one submission).

Conditions:
Breast-ovarian cancer, familial, susceptibility to, 1 (BROVCA1). Also called: BRCA1 Hereditary Breast and Ovarian Cancer; OVARIAN CANCER, SUSCEPTIBILITY TO. Identifiers: Orphanet 145, MedGen C2676676, MONDO:0011450, OMIM 604370. Disease mechanism: loss of function.

Allele frequency attached by ClinVar (database versions not stated): 1000 Genomes Project 30x 0.00828; 1000 Genomes Project 0.00839; gnomAD 0.01026 and 0.01117; TOPMed 0.01189.
gnomAD v4.1: 1,557 of 152,358 alleles (1%); highest among the groups gnomAD compares: African/African-American, 3.3%; 23 homozygotes.

Submission:

Evidence-based Network for the Interpretation of Germline Mutant Alleles (ENIGMA)
Classification: Benign for Breast-ovarian cancer, familial 1. Last evaluated: 2015-01-12. Review status: reviewed by expert panel. Criteria: ENIGMA BRCA1/2 Classification Criteria (2015). Collection method: curation. Allele origin: germline.
Comment: Class 1 not pathogenic based on frequency >1% in an outbred sampleset. Frequency 0.04268 (African), derived from 1000 genomes (2012-04-30).

NM_007294.4(BRCA1):c.4357+1386T>C

Gene: BRCA1 (BRCA1 DNA repair associated; minus strand). Cytogenetic location: 17q21.31.
Variant type: single nucleotide variant.
Coding change: c.4357+1386T>C on transcript NM_007294.4 (MANE Select); 1386 bases into the intron after coding-DNA position 4357, T replaced by C.
Molecular consequence: intron variant.
Genome position (GRCh38, 1-based): chr17:43,081,018, A>G on the plus strand (T>C on the coding strand, the complement: BRCA1 is on the minus strand). VCF-style: chr17-43081018-A-G. GRCh37 (hg19) VCF-style: chr17-41233035-A-G.
Other names: IVS 13+1386T>C; c.907+1386T>C (NM_001408458.1, NM_001408453.1, NM_001408461.1 and 8 more transcripts); c.3469+1386T>C (NM_001407967.1, NM_001407966.1); c.3976+1386T>C (NM_001407959.1, NM_001407960.1); c.4090+1386T>C (NM_001407931.1, NM_001407932.1, NM_001407935.1 and 3 more transcripts); c.4213+1386T>C (NM_001407747.1, NM_001407839.1, NM_001407745.1 and 23 more transcripts); c.3973+1386T>C (NM_001407962.1, NM_001407963.1); c.544+1386T>C (NM_001408512.1); and 52 more.
Identifiers: ClinVar variation 209407 (VCV000209407.2), dbSNP rs77473713, ClinGen allele CA276379.